The following is an entry in ClinVar:

ClinVar aggregate classification (germline): Likely benign. Review status: criteria provided, single submitter (1 of 4 stars). 2 submissions from 2 submitters: Likely benign (1). 1 of the submissions does not count toward it. Last evaluated 2023-08-04.

Conditions:
DYNC2I2-related disorder. Also called: DYNC2I2-related condition.
Short-rib thoracic dysplasia 11 with or without polydactyly (SRTD11). Also called: SHORT-RIB THORACIC DYSPLASIA 11 WITHOUT POLYDACTYLY. Identifiers: Orphanet 474, Orphanet 93271, MedGen C3810200, MONDO:0014287, OMIM 615633.

Allele frequency attached by ClinVar (database versions not stated): gnomAD 0.00001 and 0.00004; TOPMed 0.00003; ExAC 0.00009; gnomAD exomes 0.00010.
gnomAD v4.1: 55 of 1,613,206 alleles (0.0034%); highest among the groups gnomAD compares: East Asian, 0.12%; no homozygotes.

Submissions (2):

Labcorp Genetics (formerly Invitae), Labcorp
Classification: Likely benign for Short-rib thoracic dysplasia 11 with or without polydactyly. Last evaluated: 2023-08-04. Review status: criteria provided, single submitter. Criteria: Invitae Variant Classification Sherloc (09022015). Collection method: clinical testing. Allele origin: germline.

PreventionGenetics, part of Exact Sciences
Classification: Likely benign for DYNC2I2-related condition. Last evaluated: 2022-03-15. Review status: no assertion criteria provided. Collection method: clinical testing. Allele origin: germline. Not counted in ClinVar's aggregate classification.
Comment: This variant is classified as likely benign based on ACMG/AMP sequence variant interpretation guidelines (Richards et al. 2015 PMID: 25741868, with internal and published modifications).

NM_052844.4(DYNC2I2):c.1431G>A (p.Lys477=)

Gene: DYNC2I2 (dynein 2 intermediate chain 2; minus strand). Cytogenetic location: 9q34.11.
Variant type: single nucleotide variant.
Coding change: c.1431G>A on transcript NM_052844.4 (MANE Select); coding-DNA position 1431, G replaced by A.
Protein change: p.Lys477=; no amino-acid change (lysine 477 retained).
Molecular consequence: synonymous variant.
Genome position (GRCh38, 1-based): chr9:128,633,924, C>T on the plus strand (G>A on the coding strand, the complement: DYNC2I2 is on the minus strand). VCF-style: chr9-128633924-C-T. GRCh37 (hg19) VCF-style: chr9-131396203-C-T.
Other names: c.1431G>A (NM_052844.3).
Identifiers: ClinVar variation 1681173 (VCV001681173.10), dbSNP rs769045630, ClinGen allele CA5266186.